The following is an entry in ClinVar:

ClinVar aggregate classification (germline): Likely benign. Review status: criteria provided, multiple submitters, no conflicts (2 of 4 stars). 2 submissions from 2 submitters: Likely benign (2). Last evaluated 2023-11-16.

Allele frequency attached by ClinVar (database versions not stated): ExAC 0.00012; gnomAD 0.00013; gnomAD exomes 0.00024.
gnomAD v4.1: 368 of 1,592,774 alleles (0.023%); highest among the groups gnomAD compares: Middle Eastern, 0.034%; no homozygotes.

Submissions (2):

Blueprint Genetics
Classification: Likely benign. Last evaluated: 2023-11-16. Review status: criteria provided, single submitter. Criteria: ACMG Guidelines, 2015. Collection method: clinical testing. Allele origin: germline.

CeGaT Center for Human Genetics Tuebingen
Classification: Likely benign. Last evaluated: 2023-03-01. Review status: criteria provided, single submitter. Criteria: CeGaT Center For Human Genetics Tuebingen Variant Classification Criteria Version 2. Collection method: clinical testing. Allele origin: germline. Affected: yes. Observed: 1 variant allele.
Comment: YY1: BP4, BP7

NM_003403.5(YY1):c.225T>C (p.His75=)

Gene: YY1 (YY1 transcription factor; plus strand). Cytogenetic location: 14q32.2.
Variant type: single nucleotide variant.
Coding change: c.225T>C on transcript NM_003403.5 (MANE Select); coding-DNA position 225, T replaced by C.
Protein change: p.His75=; no amino-acid change (histidine 75 retained).
Molecular consequence: synonymous variant.
Genome position (GRCh38, 1-based): chr14:100,239,469, T>C. VCF-style: chr14-100239469-T-C. GRCh37 (hg19) VCF-style: chr14-100705806-T-C.
Identifiers: ClinVar variation 2644521 (VCV002644521.25), dbSNP rs367701201, ClinGen allele CA7343966.